The following is an entry in ClinVar:

ClinVar aggregate classification (germline): Uncertain significance. Review status: criteria provided, multiple submitters, no conflicts (2 of 4 stars). 2 submissions from 2 submitters: Uncertain significance (2). Last evaluated 2025-11-12.

Conditions:
Inborn genetic diseases. Identifiers: MedGen C0950123, MeSH D030342.
Norman-Roberts syndrome (LIS2). Also called: Lissencephaly 2 (Norman-Roberts type). Identifiers: Orphanet 89844, MedGen C0796089, MONDO:0009760, OMIM 257320.
Familial temporal lobe epilepsy 7. Identifiers: Orphanet 101046, MedGen C4225327, MONDO:0014639, OMIM 616436.

Allele frequency attached by ClinVar (database versions not stated): gnomAD exomes below 0.00001; ExAC 0.00001.
gnomAD v4.1: 2 of 1,614,054 alleles (0.00012%); highest among the groups gnomAD compares: Non-Finnish European, 0.00017%; no homozygotes.

Submissions (2):

Ambry Genetics
Classification: Uncertain significance for Inborn genetic diseases. Last evaluated: 2025-11-12. Review status: criteria provided, single submitter. Criteria: Ambry Variant Classification Scheme 2023. Collection method: clinical testing. Allele origin: germline.

Labcorp Genetics (formerly Invitae), Labcorp
Classification: Uncertain significance for Familial temporal lobe epilepsy 7; Norman-Roberts syndrome. Last evaluated: 2022-02-28. Review status: criteria provided, single submitter. Criteria: Invitae Variant Classification Sherloc (09022015). Collection method: clinical testing. Allele origin: germline.
Comment: In summary, the available evidence is currently insufficient to determine the role of this variant in disease. Therefore, it has been classified as a Variant of Uncertain Significance. Algorithms developed to predict the effect of missense changes on protein structure and function are either unavailable or do not agree on the potential impact of this missense change (SIFT: "Tolerated"; PolyPhen-2: "Probably Damaging"; Align-GVGD: "Class C0"). This variant has not been reported in the literature in individuals affected with RELN-related conditions. This variant is present in population databases (rs771900945, gnomAD 0.0009%). This sequence change replaces asparagine, which is neutral and polar, with serine, which is neutral and polar, at codon 402 of the RELN protein (p.Asn402Ser).

NM_005045.4(RELN):c.1205A>G (p.Asn402Ser)

Gene: RELN (reelin; minus strand). Cytogenetic location: 7q22.1.
Variant type: single nucleotide variant.
Coding change: c.1205A>G on transcript NM_005045.4 (MANE Select); coding-DNA position 1205, A replaced by G.
Protein change: p.Asn402Ser; replaces asparagine 402 with serine.
Molecular consequence: missense variant.
Genome position (GRCh38, 1-based): chr7:103,682,200, T>C on the plus strand (A>G on the coding strand, the complement: RELN is on the minus strand). VCF-style: chr7-103682200-T-C. GRCh37 (hg19) VCF-style: chr7-103322647-T-C.
Other names: c.1205A>G (NM_005045.3); c.1205A>G, p.Asn402Ser (NM_173054.3); short protein forms N402S.
Identifiers: ClinVar variation 2125204 (VCV002125204.5), dbSNP rs771900945, ClinGen allele CA4422330.